The following is an entry in ClinVar:

ClinVar aggregate classification (germline): Uncertain significance (1 of 4 stars; one submission).

Conditions:
Familial thoracic aortic aneurysm and aortic dissection (TAAD). Also called: Thoracic aortic aneurysms and dissections. Identifiers: Orphanet 91387, MedGen C4707243, MONDO:0019625.

Submission:

Ambry Genetics
Classification: Uncertain significance for Familial thoracic aortic aneurysm and aortic dissection. Last evaluated: 2026-08-11. Review status: criteria provided, single submitter. Criteria: Ambry Variant Classification Scheme 2023. Collection method: clinical testing. Allele origin: germline.
Comment: The c.7306_7308delATAinsCTT variant (also known as p.I2436L), located in coding exon 57 of the FBN2 gene, results from an in-frame deletion of ATA and insertion of CTT at nucleotide positions 7306 to 7308. This results in the substitution of the isoleucine residue for a leucine residue at codon 2436, an amino acid with highly similar properties. This amino acid position is not well conserved in available vertebrate species. In addition, this alteration is predicted to be tolerated by in silico analysis. Based on data from gnomAD, this allele has an overall frequency of 0.0012% (3/251132) total alleles studied. The highest observed frequency was0.0026% (3/113438) of European (non-Finnish) alleles. Based on the available evidence, the clinical significance of this variant remains unclear.

NM_001999.4(FBN2):c.7306_7308delinsCTT (p.Ile2436Leu)

Gene: FBN2 (fibrillin 2; minus strand). Cytogenetic location: 5q23.3.
Variant type: Indel.
Coding change: c.7306_7308delinsCTT on transcript NM_001999.4 (MANE Select); coding-DNA positions 7306 to 7308, ATA replaced by CTT.
Protein change: p.Ile2436Leu; replaces isoleucine 2436 with leucine.
Molecular consequence: missense variant.
Genome position (GRCh38, 1-based): chr5:128,278,672-128,278,674, TAT replaced by AAG on the plus strand (ATA replaced by CTT on the coding strand, the reverse complement: FBN2 is on the minus strand). VCF-style: chr5-128278672-TAT-AAG. GRCh37 (hg19) VCF-style: chr5-127614364-TAT-AAG.
Other names: short protein forms I2436L.
Identifiers: ClinVar variation 5021635 (VCV005021635.1).